The following is an entry in ClinVar:

ClinVar aggregate classification (germline): Likely benign (1 of 4 stars; one submission).

Conditions:
ATL3-related disorder. Also called: ATL3-related condition.

gnomAD v4.1: 109 of 1,612,294 alleles (0.0068%); highest among the groups gnomAD compares: Admixed American, 0.052%; no homozygotes.

Submission:

PreventionGenetics, part of Exact Sciences
Classification: Likely benign for ATL3-related condition. Last evaluated: 2025-08-11. Review status: criteria provided, single submitter. Criteria: ACMG Guidelines, 2015. Collection method: clinical testing. Allele origin: germline.
Comment: This variant is classified as likely benign based on ACMG/AMP sequence variant interpretation guidelines (Richards et al. 2015 PMID: 25741868, with internal and published modifications).

NM_015459.5(ATL3):c.*5T>G

Genes: ATL3 (atlastin GTPase 3; minus strand), LNCROPM (lncRNA regulator of PLAAT3 mediated phospholipid metabolism; plus strand). Cytogenetic location: 11q13.1.
Variant type: single nucleotide variant.
Coding change: c.*5T>G on transcript NM_015459.5 (MANE Select); 5 bases downstream of the stop codon, T replaced by G.
Molecular consequence: 3 prime UTR variant.
Genome position (GRCh38, 1-based): chr11:63,629,314, A>C on the plus strand (T>G on the coding strand, the complement: ATL3 is on the minus strand). VCF-style: chr11-63629314-A-C. GRCh37 (hg19) VCF-style: chr11-63396786-A-C.
Other names: c.*5T>G (NM_001290048.2, NM_001440716.1, NM_001440717.1 and 5 more transcripts).
Identifiers: ClinVar variation 4980895 (VCV004980895.1).